The following is an entry in ClinVar:

ClinVar aggregate classification (germline): Uncertain significance (0 of 4 stars; one submission).

Conditions:
CTNNB1-related disorder. Also called: CTNNB1-related condition.

Submission:

PreventionGenetics, part of Exact Sciences
Classification: Uncertain significance for CTNNB1-related condition. Last evaluated: 2023-12-29. Review status: no assertion criteria provided. Collection method: clinical testing. Allele origin: germline.
Comment: The CTNNB1 c.821G>T variant is predicted to result in the amino acid substitution p.Arg274Leu. To our knowledge, this variant has not been reported in the literature or in a large population database, indicating this variant is rare. At this time, the clinical significance of this variant is uncertain due to the absence of conclusive functional and genetic evidence.

NM_001904.4(CTNNB1):c.821G>T (p.Arg274Leu)

Gene: CTNNB1 (catenin beta 1; plus strand). Cytogenetic location: 3p22.1.
Variant type: single nucleotide variant.
Coding change: c.821G>T on transcript NM_001904.4 (MANE Select); coding-DNA position 821, G replaced by T.
Protein change: p.Arg274Leu; replaces arginine 274 with leucine.
Molecular consequence: missense variant.
Genome position (GRCh38, 1-based): chr3:41,225,746, G>T. VCF-style: chr3-41225746-G-T. GRCh37 (hg19) VCF-style: chr3-41267237-G-T.
Other names: c.821G>T, p.Arg274Leu (NM_001098209.2, NM_001098210.2); c.800G>T, p.Arg267Leu (NM_001330729.2); short protein forms R267L, R274L.
Identifiers: ClinVar variation 3034006 (VCV003034006.2), dbSNP rs1233296947, ClinGen allele CA352230228.
Genomic context (GRCh38, chr3:41,225,746, plus strand): 5'-ATGCCATTACAACTCTCCACAACCTTTTATTACATCAAGAAGGAGCTAAAATGGCAGTGC[G>T]TTTAGCTGGTGGGCTGCAGAAAATGGTTGCCTTGCTCAACAAAACAAATGTTAAATTCTT-3'
Protein context (NP_001895.1, residues 264-284): LHQEGAKMAV[Arg274Leu]LAGGLQKMVA